The following is an entry in ClinVar:

NM_005609.4(PYGM):c.2031C>T (p.Thr677=)

Gene: PYGM (glycogen phosphorylase, muscle associated; minus strand). Cytogenetic location: 11q13.1.
Variant type: single nucleotide variant.
Coding change: c.2031C>T on transcript NM_005609.4 (MANE Select); coding-DNA position 2031, C replaced by T.
Protein change: p.Thr677=; no amino-acid change (threonine 677 retained).
Molecular consequence: synonymous variant.
Genome position (GRCh38, 1-based): chr11:64,750,522, G>A on the plus strand (C>T on the coding strand, the complement: PYGM is on the minus strand). VCF-style: chr11-64750522-G-A. GRCh37 (hg19) VCF-style: chr11-64517994-G-A.
Other names: c.1767C>T, p.Thr589= (NM_001164716.1); c.2031C>T (NM_005609.3).
Identifiers: ClinVar variation 1104261 (VCV001104261.10), dbSNP rs372078244, ClinGen allele CA6079654.

ClinVar aggregate classification (germline): Likely benign. Review status: criteria provided, multiple submitters, no conflicts (2 of 4 stars). 2 submissions from 2 submitters: Likely benign (2). Last evaluated 2026-05-21.

Conditions:
PYGM-related disorder. Also called: PYGM-related condition.
Glycogen storage disease, type V (GSD5). Also called: MCARDLE DISEASE; MUSCLE GLYCOGEN PHOSPHORYLASE DEFICIENCY; MYOPHOSPHORYLASE DEFICIENCY; PYGM DEFICIENCY; McArdle type glycogen storage disease. Identifiers: Orphanet 368, MedGen C0017924, MONDO:0009293, OMIM 232600.

Allele frequency attached by ClinVar (database versions not stated): gnomAD 0.00007; TOPMed 0.00007; ESP Exome Variant Server 0.00008.
gnomAD v4.1: 32 of 1,614,056 alleles (0.002%); highest among the groups gnomAD compares: Admixed American, 0.03%; no homozygotes.

Submissions (2):

PreventionGenetics, part of Exact Sciences
Classification: Likely benign for PYGM-related condition. Last evaluated: 2026-05-21. Review status: criteria provided, single submitter. Criteria: ACMG Guidelines, 2015. Collection method: clinical testing. Allele origin: germline.
Comment: This variant is classified as likely benign based on ACMG/AMP sequence variant interpretation guidelines (Richards et al. 2015 PMID: 25741868, with internal and published modifications).

Labcorp Genetics (formerly Invitae), Labcorp
Classification: Likely benign for Glycogen storage disease, type V. Last evaluated: 2025-12-13. Review status: criteria provided, single submitter. Criteria: Invitae Variant Classification Sherloc (09022015). Collection method: clinical testing. Allele origin: germline.